The following is an entry in ClinVar:

GRCh38/hg38 9q32(chr9:114246876-114637081)x3

Genes: AKNA (AT-hook transcription factor; minus strand), ATP6V1G1 (ATPase H+ transporting V1 subunit G1; plus strand), COL27A1 (collagen type XXVII alpha 1 chain; plus strand), ORM1 (orosomucoid 1; plus strand), ORM2 (orosomucoid 2; plus strand) and 26 more. Cytogenetic location: 9q32.
Variant type: copy number gain.
Change: copy number 3 (three copies instead of two) of chr9:114,246,876-114,637,081 (390.2 kb, GRCh38 coordinates, 1-based), cytogenetic band 9q32.
Identifiers: ClinVar variation 58481 (VCV000058481.1).

ClinVar aggregate classification (germline): Uncertain significance (1 of 4 stars; one submission).

Submission:

ISCA site 14
Classification: Uncertain significance. Last evaluated: 2011-08-12. Review status: criteria provided, single submitter. Criteria: Kaminsky et al. (Genet Med. 2011). Collection method: clinical testing. Allele origin: unknown. Affected: yes. Observed: 2 variant alleles.
Comment: Copy number variation identified through the course of routine clinical cytogenomic testing in postnatal populations. Clinical assertions have been curated as described in Kaminsky et al. 2011.